The following is an entry in ClinVar:

ClinVar aggregate classification (germline): Uncertain significance (1 of 4 stars; one submission).

Allele frequency attached by ClinVar (database versions not stated): gnomAD 0.00003; gnomAD exomes below 0.00001; TOPMed 0.00002.

Submission:

Labcorp Genetics (formerly Invitae), Labcorp
Classification: Uncertain significance. Last evaluated: 2022-05-21. Review status: criteria provided, single submitter. Criteria: Invitae Variant Classification Sherloc (09022015). Collection method: clinical testing. Allele origin: germline.
Comment: This sequence change replaces isoleucine, which is neutral and non-polar, with threonine, which is neutral and polar, at codon 4 of the COQ2 protein (p.Ile4Thr). This variant is present in population databases (rs758419985, gnomAD 0.01%). This variant has not been reported in the literature in individuals affected with COQ2-related conditions. Algorithms developed to predict the effect of missense changes on protein structure and function output the following: SIFT: "Tolerated"; PolyPhen-2: "Benign"; Align-GVGD: "Class C0". The threonine amino acid residue is found in multiple mammalian species, which suggests that this missense change does not adversely affect protein function. In summary, the available evidence is currently insufficient to determine the role of this variant in disease. Therefore, it has been classified as a Variant of Uncertain Significance.

NC_000004.12:g.83284904A>G

Genes: COQ2 (coenzyme Q2, polyprenyltransferase; minus strand), LOC112997540 (Sharpr-MPRA regulatory region 13773; plus strand). Cytogenetic location: 4q21.23.
Variant type: single nucleotide variant.
Molecular consequence: missense variant (on NM_015697.9).
Genome position: GRCh38 VCF-style: chr4-83284904-A-G. GRCh37 (hg19) VCF-style: chr4-84206057-A-G.
Other names: c.11T>C, p.Ile4Thr (NM_015697.9); short protein forms I4T.
Identifiers: ClinVar variation 1944613 (VCV001944613.4), dbSNP rs758419985, ClinGen allele CA2988726.
Genomic context (GRCh38, chr4:83,284,904, plus strand): 5'-CCTAGTCTGCCAGGCTGGGCGGCGGTGTGGGCAGAACCTTTCCTCATCCTTACTTGTGAA[A>G]TTGGGGTCATCGTGGTCGCTTACTCTAGGGAGGAATACTTAATGAAAAAGGGATTTCTAT-3'